The following is an entry in ClinVar:

ClinVar aggregate classification (germline): Uncertain significance (1 of 4 stars; one submission).

Allele frequency attached by ClinVar (database versions not stated): gnomAD exomes below 0.00001.
gnomAD v4.1: 2 of 1,610,334 alleles (0.00012%); highest among the groups gnomAD compares: Non-Finnish European, 0.00017%; no homozygotes.

Submission:

Ambry Genetics
Classification: Uncertain significance. Last evaluated: 2023-06-17. Review status: criteria provided, single submitter. Criteria: Ambry Variant Classification Scheme 2023. Collection method: clinical testing. Allele origin: germline.
Comment: The p.E403K variant (also known as c.1207G>A), located in coding exon 8 of the IDH1 gene, results from a G to A substitution at nucleotide position 1207. The glutamic acid at codon 403 is replaced by lysine, an amino acid with similar properties. This amino acid position is conserved. In addition, the in silico prediction for this alteration is inconclusive. Since supporting evidence is limited at this time, the clinical significance of this alteration remains unclear.

NM_005896.4(IDH1):c.1207G>A (p.Glu403Lys)

Gene: IDH1 (isocitrate dehydrogenase (NADP(+)) 1; minus strand). Cytogenetic location: 2q34.
Variant type: single nucleotide variant.
Coding change: c.1207G>A on transcript NM_005896.4 (MANE Select); coding-DNA position 1207, G replaced by A.
Protein change: p.Glu403Lys; replaces glutamic acid 403 with lysine.
Molecular consequence: missense variant.
Genome position (GRCh38, 1-based): chr2:208,237,117, C>T on the plus strand (G>A on the coding strand, the complement: IDH1 is on the minus strand). VCF-style: chr2-208237117-C-T. GRCh37 (hg19) VCF-style: chr2-209101841-C-T.
Other names: c.1207G>A, p.Glu403Lys (NM_001282386.1, NM_001282387.1); short protein forms E403K.
Identifiers: ClinVar variation 2587374 (VCV002587374.2), dbSNP rs2469010434, ClinGen allele CA350093559.
Genomic context (GRCh38, chr2:208,237,117, plus strand): 5'-CCTTCTTAGCTCAGGTATGAACTTAAAGTTTGGCCTGAGCTAGTTTGATCTTCAAGTTTT[C>T]TCCAAGTTTATCCATGAACTCAAATGTATTCAAGTAGTCAGAACGTTGCACACTAACGGG-3'
Protein context (NP_005887.2, residues 393-413): NTFEFMDKLG[Glu403Lys]NLKIKLAQAK